The following is an entry in ClinVar:

NM_001161403.3(LIMS2):c.509+3A>T

Gene: LIMS2 (LIM zinc finger domain containing 2; minus strand). Cytogenetic location: 2q14.3.
Variant type: single nucleotide variant.
Coding change: c.509+3A>T on transcript NM_001161403.3 (MANE Select); 3 bases into the intron after coding-DNA position 509, A replaced by T.
Molecular consequence: intron variant.
Genome position (GRCh38, 1-based): chr2:127,642,920, T>A on the plus strand (A>T on the coding strand, the complement: LIMS2 is on the minus strand). VCF-style: chr2-127642920-T-A. GRCh37 (hg19) VCF-style: chr2-128400495-T-A.
Other names: c.494+3A>T (NM_001161404.2); c.575+3A>T (NM_001136037.4); c.581+3A>T (NM_017980.5); c.53+3A>T (NM_001256542.2).
Identifiers: ClinVar variation 1464576 (VCV001464576.6), dbSNP rs746495081, ClinGen allele CA1863041.

ClinVar aggregate classification (germline): Uncertain significance (1 of 4 stars; one submission).

Conditions:
Autosomal recessive limb-girdle muscular dystrophy type 2W (MDRCMTT). Also called: Muscular dystrophy, limb-girdle, type 2W; Muscular dystrophy, autosomal recessive, with cardiomyopathy and triangular tongue. Identifiers: MedGen C4225192, MONDO:0014788, OMIM 616827.

Allele frequency attached by ClinVar (database versions not stated): TOPMed 0.00002; gnomAD 0.00003; gnomAD exomes 0.00003 and 0.00007; ExAC 0.00004.
gnomAD v4.1: 102 of 1,559,850 alleles (0.0065%); highest among the groups gnomAD compares: Non-Finnish European, 0.0088%; no homozygotes.

Submission:

Labcorp Genetics (formerly Invitae), Labcorp
Classification: Uncertain significance for Autosomal recessive limb-girdle muscular dystrophy type 2W. Last evaluated: 2022-08-02. Review status: criteria provided, single submitter. Criteria: Invitae Variant Classification Sherloc (09022015). Collection method: clinical testing. Allele origin: germline.
Comment: In summary, the available evidence is currently insufficient to determine the role of this variant in disease. Therefore, it has been classified as a Variant of Uncertain Significance. Variants that disrupt the consensus splice site are a relatively common cause of aberrant splicing (PMID: 17576681, 9536098). Algorithms developed to predict the effect of sequence changes on RNA splicing suggest that this variant may create or strengthen a splice site. ClinVar contains an entry for this variant (Variation ID: 1464576). This variant has not been reported in the literature in individuals affected with LIMS2-related conditions. This variant is present in population databases (rs746495081, gnomAD 0.006%). This sequence change falls in intron 6 of the LIMS2 gene. It does not directly change the encoded amino acid sequence of the LIMS2 protein. It affects a nucleotide within the consensus splice site.

Literature cited by the submitters: PubMed 17576681; PubMed 9536098.